The following is an entry in ClinVar:

ClinVar aggregate classification (germline): Benign. Review status: criteria provided, multiple submitters, no conflicts (2 of 4 stars). 17 submissions from 16 submitters: Benign (13). 4 of the submissions do not count toward it. Last evaluated 2026-02-04.

Conditions:
Hereditary cancer-predisposing syndrome. Also called: Tumor predisposition; Hereditary neoplastic syndrome; Hereditary Cancer Syndrome; Neoplastic Syndromes, Hereditary. Identifiers: Orphanet 140162, MedGen C0027672, MeSH D009386, MONDO:0015356.
Hereditary leiomyomatosis and renal cell cancer. Also called: LEIOMYOMA, MULTIPLE CUTANEOUS; Reed syndrome; Multiple cutaneous and uterine leiomyomatosis; Cutaneous leiomyomata with uterine leiomyomata; Leiomyoma, hereditary multiple, of skin; Multiple cutaneous and uterine leiomyomata. Identifiers: Orphanet 523, MedGen C1708350, MONDO:0007888, OMIM 150800, HP:0007437. Disease mechanism: loss of function.
Fumarase deficiency (FMRD). Also called: Fumarate Hydratase Deficiency; Fumaric aciduria. Identifiers: Orphanet 24, MedGen C0342770, MONDO:0011730, OMIM 606812.

Allele frequency attached by ClinVar (database versions not stated): gnomAD exomes 0.00297 and 0.00762; ExAC 0.00957; gnomAD 0.02978 and 0.03163; ESP Exome Variant Server 0.03329; TOPMed 0.03393; 1000 Genomes Project 0.03654; 1000 Genomes Project 30x 0.03888.
gnomAD v4.1: 8,961 of 1,608,838 alleles (0.56%); highest among the groups gnomAD compares: African/African-American, 11%; 473 homozygotes.

Submissions (17):

Labcorp Genetics (formerly Invitae), Labcorp
Classification: Benign. Last evaluated: 2026-02-04. Review status: criteria provided, single submitter. Criteria: Invitae Variant Classification Sherloc (09022015). Collection method: clinical testing. Allele origin: germline.

Quest Diagnostics Nichols Institute San Juan Capistrano
Classification: Benign. Last evaluated: 2025-05-19. Review status: criteria provided, single submitter. Criteria: Quest Diagnostics criteria. Collection method: clinical testing. Allele origin: unknown.

ARUP Laboratories, Molecular Genetics and Genomics, ARUP Laboratories
Classification: Benign. Last evaluated: 2025-05-01. Review status: criteria provided, single submitter. Criteria: ARUP Molecular Germline Variant Investigation Process 2024. Collection method: clinical testing. Allele origin: germline.

Center for Genomic Medicine, Rigshospitalet, Copenhagen University Hospital
Classification: Benign. Last evaluated: 2025-03-04. Review status: criteria provided, single submitter. Criteria: ACMG Guidelines, 2015. Collection method: clinical testing. Allele origin: germline.

Myriad Genetics, Inc.
Classification: Benign for Hereditary leiomyomatosis and renal cell cancer. Last evaluated: 2024-10-21. Review status: criteria provided, single submitter. Criteria: Myriad Autosomal Dominant, Autosomal Recessive and X-Linked Classification Criteria (2023). Collection method: clinical testing. Allele origin: unknown.
Comment: This variant is considered benign. This variant is a silent/synonymous amino acid change and it is not expected to impact splicing.

KCCC/NGS Laboratory, Kuwait Cancer Control Center
Classification: Benign for Hereditary leiomyomatosis and renal cell cancer. Last evaluated: 2023-07-07. Review status: criteria provided, single submitter. Criteria: ACMG Guidelines, 2015. Collection method: clinical testing. Allele origin: germline. Affected: yes.

Department of Pathology and Laboratory Medicine, Sinai Health System
Classification: Benign for Hereditary leiomyomatosis and renal cell cancer; Fumarase deficiency. Last evaluated: 2022-09-09. Review status: criteria provided, single submitter. Criteria: ACMG Guidelines, 2015. Collection method: clinical testing. Allele origin: germline. Affected: yes.

Illumina Laboratory Services, Illumina
Classification: Benign for Hereditary leiomyomatosis and renal cell cancer. Last evaluated: 2018-01-13. Review status: criteria provided, single submitter. Criteria: ICSL Variant Classification Criteria 13 December 2019. Collection method: clinical testing. Allele origin: germline.
Comment: This variant was observed in the ICSL laboratory as part of a predisposition screen in an ostensibly healthy population. It had not been previously curated by ICSL or reported in the Human Gene Mutation Database (HGMD: prior to June 1st, 2018), and was therefore a candidate for classification through an automated scoring system. Utilizing variant allele frequency, disease prevalence and penetrance estimates, and inheritance mode, an automated score was calculated to assess if this variant is too frequent to cause the disease. Based on the score and internal cut-off values, a variant classified as benign is not then subjected to further curation. The score for this variant resulted in a classification of benign for this disease.

Illumina Laboratory Services, Illumina
Classification: Benign for Fumarase deficiency. Last evaluated: 2018-01-13. Review status: criteria provided, single submitter. Criteria: ICSL Variant Classification Criteria 13 December 2019. Collection method: clinical testing. Allele origin: germline.
Comment: the same text as in the submission from Illumina Laboratory Services, Illumina above.

Women's Health and Genetics/Laboratory Corporation of America, LabCorp
Classification: Benign. Last evaluated: 2016-05-04. Review status: criteria provided, single submitter. Criteria: LabCorp Variant Classification Summary - May 2015. Collection method: clinical testing. Allele origin: germline.
Comment: Variant summary: The c.1302C>T variant affects a non-conserved nucleotide, resulting in a synonymous change. Mutation taster predicts polymorphism outcome for this variant. 4/5 splice-tools in Alamut predict that this variant does not affect normal splicing. ESE finder predicts changes of binding motifs for RNA splicing enhancers. This variant is found in 1162/121368 control chromosomes (64 homozygotes) at a frequency of 0.0095742, which significantly exceeds the maximal expected frequency of a pathogenic allele (0.0000025), suggesting this variant is a benign polymorphism. In addition, multiple clinical laboratory/reputable database classified this variant as benign. Taken together, this variant was classified as benign.

Ambry Genetics
Classification: Benign for Hereditary cancer-predisposing syndrome. Last evaluated: 2014-12-01. Review status: criteria provided, single submitter. Criteria: Ambry Variant Classification Scheme 2023. Collection method: clinical testing. Allele origin: germline.

GeneDx
Classification: Benign. Last evaluated: 2013-04-22. Review status: criteria provided, single submitter. Criteria: GeneDx Variant Classification (06012015). Collection method: clinical testing. Allele origin: germline. Affected: yes.
Comment: This variant is considered likely benign or benign based on one or more of the following criteria: it is a conservative change, it occurs at a poorly conserved position in the protein, it is predicted to be benign by multiple in silico algorithms, and/or has population frequency not consistent with disease.

Breakthrough Genomics
Classification: Benign. Review status: criteria provided, single submitter. Criteria: ACMG Guidelines, 2015. Collection method: not provided. Allele origin: germline. Inheritance: Autosomal recessive inheritance. Affected: yes.

Natera, Inc.
Classification: Benign for Fumarase deficiency. Last evaluated: 2020-09-16. Review status: no assertion criteria provided. Collection method: clinical testing. Allele origin: germline. Not counted in ClinVar's aggregate classification.

Mayo Clinic Laboratories, Mayo Clinic
Classification: Benign. Last evaluated: 2017-08-04. Review status: no assertion criteria provided. Collection method: clinical testing. Allele origin: unknown. Not counted in ClinVar's aggregate classification.

Genome Diagnostics Laboratory, Amsterdam University Medical Center
Classification: Benign. Review status: no assertion criteria provided. Collection method: clinical testing. Allele origin: germline. Affected: yes. Study: VKGL Data-share Consensus. Not counted in ClinVar's aggregate classification.

Joint Genome Diagnostic Labs from Nijmegen and Maastricht, Radboudumc and MUMC+
Classification: Benign. Review status: no assertion criteria provided. Collection method: clinical testing. Allele origin: germline. Affected: yes. Study: VKGL Data-share Consensus. Not counted in ClinVar's aggregate classification.

NM_000143.4(FH):c.1302C>T (p.Cys434=)

Gene: FH (fumarate hydratase; minus strand). Cytogenetic location: 1q43.
Variant type: single nucleotide variant.
Coding change: c.1302C>T on transcript NM_000143.4 (MANE Select); coding-DNA position 1302, C replaced by T.
Protein change: p.Cys434=; no amino-acid change (cysteine 434 retained).
Molecular consequence: synonymous variant.
Genome position (GRCh38, 1-based): chr1:241,500,525, G>A on the plus strand (C>T on the coding strand, the complement: FH is on the minus strand). VCF-style: chr1-241500525-G-A. GRCh37 (hg19) VCF-style: chr1-241663825-G-A.
Other names: p.C434C:TGC>TGT.
Identifiers: ClinVar variation 137372 (VCV000137372.49), dbSNP rs2070080, ClinGen allele CA187893.
Genomic context (GRCh38, chr1:241,500,525, plus strand): 5'-CATTAGAGACTCATTCATCAGCTTGTTGATCCTTTCTGTATTGGCCTGGATTCCCACCAC[G>A]CAGTTTTCTGTAAAGGAAACTGAAGCATCCCCCAGCAGCCTGGCTGAGTGTAACACATTT-3'
Protein context (NP_000134.2, residues 424-444): GDASVSFTEN[Cys434=]VVGIQANTER